The following is an entry in ClinVar:

NM_001042492.3(NF1):c.1141G>T (p.Val381Phe)

Gene: NF1 (neurofibromin 1; plus strand). Cytogenetic location: 17q11.2.
Variant type: single nucleotide variant.
Coding change: c.1141G>T on transcript NM_001042492.3 (MANE Select); coding-DNA position 1141, G replaced by T.
Protein change: p.Val381Phe; replaces valine 381 with phenylalanine.
Molecular consequence: missense variant.
Genome position (GRCh38, 1-based): chr17:31,201,115, G>T. VCF-style: chr17-31201115-G-T. GRCh37 (hg19) VCF-style: chr17-29528133-G-T.
Other names: c.1141G>T, p.Val381Phe (NM_000267.4, NM_001128147.3); short protein forms V381F.
Identifiers: ClinVar variation 999852 (VCV000999852.5), dbSNP rs876660276, ClinGen allele CA398997087.

ClinVar aggregate classification (germline): Uncertain significance (1 of 4 stars; one submission).

Conditions:
Neurofibromatosis, type 1 (NF1). Also called: Neurofibromatosis, type I; VON RECKLINGHAUSEN DISEASE; NEUROFIBROMATOSIS, TYPE I, SOMATIC; Peripheral type neurofibromatosis. Identifiers: Orphanet 636, MedGen C0027831, MONDO:0018975, OMIM 162200. Disease mechanism: loss of function.

Submission:

Labcorp Genetics (formerly Invitae), Labcorp
Classification: Uncertain significance for Neurofibromatosis, type 1. Last evaluated: 2022-06-03. Review status: criteria provided, single submitter. Criteria: Invitae Variant Classification Sherloc (09022015). Collection method: clinical testing. Allele origin: germline.
Comment: In summary, the available evidence is currently insufficient to determine the role of this variant in disease. Therefore, it has been classified as a Variant of Uncertain Significance. Advanced modeling of protein sequence and biophysical properties (such as structural, functional, and spatial information, amino acid conservation, physicochemical variation, residue mobility, and thermodynamic stability) performed at Invitae indicates that this missense variant is expected to disrupt NF1 protein function. ClinVar contains an entry for this variant (Variation ID: 999852). This variant has not been reported in the literature in individuals affected with NF1-related conditions. This variant is not present in population databases (gnomAD no frequency). This sequence change replaces valine, which is neutral and non-polar, with phenylalanine, which is neutral and non-polar, at codon 381 of the NF1 protein (p.Val381Phe).